The following is an entry in ClinVar:

ClinVar aggregate classification (germline): Conflicting classifications of pathogenicity. Review status: criteria provided, conflicting classifications (1 of 4 stars). 5 submissions from 5 submitters: Uncertain significance (4); Likely benign (1). Last evaluated 2026-02-03.

Conditions:
Inborn genetic diseases. Identifiers: MedGen C0950123, MeSH D030342.

Allele frequency attached by ClinVar (database versions not stated): gnomAD exomes below 0.00001 and 0.00001; ExAC 0.00001; gnomAD 0.00003; ESP Exome Variant Server 0.00008.

Submissions (5):

Women's Health and Genetics/Laboratory Corporation of America, LabCorp
Classification: Uncertain significance. Last evaluated: 2026-02-03. Review status: criteria provided, single submitter. Criteria: LabCorp Variant Classification Summary - May 2015. Collection method: clinical testing. Allele origin: germline.
Comment: Variant summary: TRIO c.4146G>A (p.Met1382Ile) results in a conservative amino acid change in the encoded protein sequence. Algorithms developed to predict the effect of missense changes on protein structure and function are either unavailable or do not agree on the potential impact of this missense change. The variant allele was found at a frequency of 8.2e-06 in 243450 control chromosomes. The available data on variant occurrences in the general population are insufficient to allow any conclusion about variant significance. To our knowledge, no occurrence of c.4146G>A in individuals affected with TRIO-related conditions and no experimental evidence demonstrating its impact on protein function have been reported. ClinVar contains an entry for this variant (Variation ID: 1313720). Based on the evidence outlined above, the variant was classified as uncertain significance.

Ambry Genetics
Classification: Uncertain significance for Inborn genetic diseases. Last evaluated: 2024-01-16. Review status: criteria provided, single submitter. Criteria: Ambry Variant Classification Scheme 2023. Collection method: clinical testing. Allele origin: germline.

Labcorp Genetics (formerly Invitae), Labcorp
Classification: Likely benign. Last evaluated: 2023-11-06. Review status: criteria provided, single submitter. Criteria: Invitae Variant Classification Sherloc (09022015). Collection method: clinical testing. Allele origin: germline.

GeneDx
Classification: Uncertain significance. Last evaluated: 2023-01-03. Review status: criteria provided, single submitter. Criteria: GeneDx Variant Classification Process June 2021. Collection method: clinical testing. Allele origin: germline. Affected: yes.
Comment: In silico analysis supports that this missense variant has a deleterious effect on protein structure/function; Has not been previously published as pathogenic or benign to our knowledge

CeGaT Center for Human Genetics Tuebingen
Classification: Uncertain significance. Last evaluated: 2022-05-01. Review status: criteria provided, single submitter. Criteria: CeGaT Center For Human Genetics Tuebingen Variant Classification Criteria Version 2. Collection method: clinical testing. Allele origin: germline. Affected: yes. Observed: 1 variant allele.

NM_007118.4(TRIO):c.4146G>A (p.Met1382Ile)

Gene: TRIO (trio Rho guanine nucleotide exchange factor; plus strand). Cytogenetic location: 5p15.2.
Variant type: single nucleotide variant.
Coding change: c.4146G>A on transcript NM_007118.4 (MANE Select); coding-DNA position 4146, G replaced by A.
Protein change: p.Met1382Ile; replaces methionine 1382 with isoleucine.
Molecular consequence: missense variant. On other transcripts: non-coding transcript variant (1).
Genome position (GRCh38, 1-based): chr5:14,390,918, G>A. VCF-style: chr5-14390918-G-A. GRCh37 (hg19) VCF-style: chr5-14391027-G-A.
Other names: short protein forms M1382I.
Identifiers: ClinVar variation 1313720 (VCV001313720.30), dbSNP rs372498676, ClinGen allele CA3206403.